The following is an entry in ClinVar:

ClinVar aggregate classification (germline): Likely pathogenic (0 of 4 stars; one submission).

Conditions:
Developmental and epileptic encephalopathy, 5 (DEE5). Identifiers: Orphanet 3451, MedGen C3150731, MONDO:0013277, OMIM 613477.

Submission:

Solve-RD Consortium
Classification: Likely pathogenic for Developmental and epileptic encephalopathy, 5. Last evaluated: 2024-06-01. Review status: no assertion criteria provided. Collection method: provider interpretation. Allele origin: germline. Affected: yes.
Comment: This CNV was confirmed by the submitting clinician to impact a gene that corresponds with the phenotype of the affected individual, and thus deemed to be causative for their condition.

Literature cited by the submitters: PubMed 39825153.

GRCh37/hg19 9q34.11(chr9:131295791-131419128)x1

Genes: DYNC2I2 (dynein 2 intermediate chain 2; minus strand), GLE1 (GLE1 RNA export mediator; plus strand), SPTAN1 (spectrin alpha, non-erythrocytic 1; plus strand). Cytogenetic location: 9q34.11.
Variant type: copy number loss.
Change: copy number 1 (one copy instead of two) of chr9:131,295,791-131,419,128 (123.3 kb, GRCh37 coordinates, 1-based), cytogenetic band 9q34.11.
Identifiers: ClinVar variation 3338457 (VCV003338457.1).